The following is an entry in ClinVar:

NC_000007.14:g.(?_146116001)_(148847318_?)dup

Genes: C7orf33 (chromosome 7 open reading frame 33; plus strand), CUL1 (cullin 1; plus strand), CNTNAP2 (contactin associated protein 2; plus strand), EZH2 (enhancer of zeste 2 polycomb repressive complex 2 subunit; minus strand). Cytogenetic location: 7q35-36.1.
Variant type: Duplication.
Identifiers: ClinVar variation 831861 (VCV000831861.1).

ClinVar aggregate classification (germline): Uncertain significance (1 of 4 stars; one submission).

Conditions:
Cortical dysplasia-focal epilepsy syndrome (PTHSL1). Also called: Pitt-Hopkins-like syndrome 1. Identifiers: Orphanet 163681, Orphanet 221150, MedGen C2750246, MONDO:0012400, OMIM 610042.

Submission:

Labcorp Genetics (formerly Invitae), Labcorp
Classification: Uncertain significance for Cortical dysplasia-focal epilepsy syndrome. Last evaluated: 2019-09-20. Review status: criteria provided, single submitter. Criteria: Invitae Variant Classification Sherloc (09022015). Collection method: clinical testing. Allele origin: germline.
Comment: This variant results in a copy number gain of the genomic region encompassing the full coding sequence of the CNTNAP2 gene. The boundaries of this event are unknown as they extend beyond the assayed region for this gene and therefore may encompass additional genes. As the precise location of this event is unknown, it may be in tandem or it may be located elsewhere in the genome. This variant has not been reported in the literature in individuals with CNTNAP2-related conditions. In summary, the available evidence is currently insufficient to determine the role of this variant in disease. Therefore, it has been classified as a Variant of Uncertain Significance.